The following is an entry in ClinVar:

ClinVar aggregate classification (germline): Conflicting classifications of pathogenicity. Review status: criteria provided, conflicting classifications (1 of 4 stars). 3 submissions from 3 submitters: Likely pathogenic (1); Uncertain significance (2). Last evaluated 2025-09-10.

Conditions:
Pyruvate kinase deficiency of red cells (CNSHA2). Also called: Pyruvate kinase deficiency, Amish type; PK DEFICIENCY; PYRUVATE KINASE DEFICIENCY OF ERYTHROCYTE. Identifiers: Orphanet 766, MedGen C0340968, MONDO:0009950, OMIM 266200.

Submissions (3):

Genomic Medicine Center of Excellence, King Faisal Specialist Hospital and Research Centre
Classification: Likely pathogenic for Pyruvate kinase deficiency of red cells. Last evaluated: 2025-09-10. Review status: criteria provided, single submitter. Criteria: ACMG Guidelines, 2015. Collection method: clinical testing. Allele origin: germline.

ARUP Laboratories, Molecular Genetics and Genomics, ARUP Laboratories
Classification: Uncertain significance. Last evaluated: 2025-05-02. Review status: criteria provided, single submitter. Criteria: ARUP Molecular Germline Variant Investigation Process 2024. Collection method: clinical testing. Allele origin: germline.
Comment: The PKLR c.1276C>T; p.Arg426Trp variant (rs1023689443, ClinVar Variation ID 3720244) is reported in the literature as a compound heterozygous variant in one individual with pyruvate kinase deficiency (Baronciani 1995) and as a homozygous variant in a second individual with hemolytic anemia who had an additional variant in another hemolytic anemia related gene (Wu 2023). This variant is only observed on one allele in the Genome Aggregation Database (v2.1.1), indicating it is not a common polymorphism. Additionally, another variant at this codon (c.1277G>A, p.Arg426Gln, also known as PK Sapporo) has been reported as a homozygous variant in an individual with pyruvate kinase deficiency and hemolytic anemia (Kanno 1993). Computational analyses predict that this variant is deleterious (REVEL: 0.901). Based on available information, the clinical significance of this variant is uncertain at this time. References: Baronciani L et al. Study of the molecular defects in pyruvate kinase deficient patients affected by nonspherocytic hemolytic anemia. Blood Cells Mol Dis. 1995 PMID: 7655861. Kanno H et al. Low substrate affinity of pyruvate kinase variant (PK Sapporo) caused by a single amino acid substitution (426 Arg-->Gln) associated with hereditary hemolytic anemia. Blood. 1993 May 1. PMID: 8481523. Wu H et al. Case report: A rare case of pyruvate kinase deficiency and Crigler-Najjar syndrome type II with a novel pathogenic variant of PKLR and UGT1A1 mutation. Front Genet. 2023 PMID: 37671043.

Labcorp Genetics (formerly Invitae), Labcorp
Classification: Uncertain significance. Last evaluated: 2024-10-08. Review status: criteria provided, single submitter. Criteria: Invitae Variant Classification Sherloc (09022015). Collection method: clinical testing. Allele origin: germline.
Comment: This sequence change replaces arginine, which is basic and polar, with tryptophan, which is neutral and slightly polar, at codon 426 of the PKLR protein (p.Arg426Trp). This variant is present in population databases (no rsID available, gnomAD 0.06%). This missense change has been observed in individual(s) with pyruvate kinase deficiency (PMID: 7655861). Invitae Evidence Modeling of protein sequence and biophysical properties (such as structural, functional, and spatial information, amino acid conservation, physicochemical variation, residue mobility, and thermodynamic stability) has been performed for this missense variant. However, the output from this modeling did not meet the statistical confidence thresholds required to predict the impact of this variant on PKLR protein function. This variant disrupts the p.Arg426 amino acid residue in PKLR. Other variant(s) that disrupt this residue have been observed in individuals with PKLR-related conditions (PMID: 8481523), which suggests that this may be a clinically significant amino acid residue. In summary, the available evidence is currently insufficient to determine the role of this variant in disease. Therefore, it has been classified as a Variant of Uncertain Significance.

Literature cited by the submitters: PubMed 7655861 (cited by Labcorp Genetics (formerly Invitae), Labcorp); PubMed 8481523 (cited by Labcorp Genetics (formerly Invitae), Labcorp).

NM_000298.6(PKLR):c.1276C>T (p.Arg426Trp)

Gene: PKLR (pyruvate kinase L/R; minus strand). Cytogenetic location: 1q22.
Variant type: single nucleotide variant.
Coding change: c.1276C>T on transcript NM_000298.6 (MANE Select); coding-DNA position 1276, C replaced by T.
Protein change: p.Arg426Trp; replaces arginine 426 with tryptophan.
Molecular consequence: missense variant.
Genome position (GRCh38, 1-based): chr1:155,293,337, G>A on the plus strand (C>T on the coding strand, the complement: PKLR is on the minus strand). VCF-style: chr1-155293337-G-A. GRCh37 (hg19) VCF-style: chr1-155263128-G-A.
Other names: c.1183C>T, p.Arg395Trp (NM_181871.4); short protein forms R395W, R426W.
Identifiers: ClinVar variation 3720244 (VCV003720244.4).